The following is an entry in ClinVar:

NM_020207.7(ERCC6L2):c.824A>T (p.His275Leu)

Gene: ERCC6L2 (ERCC excision repair 6 like 2; plus strand). Cytogenetic location: 9q22.32.
Variant type: single nucleotide variant.
Coding change: c.824A>T on transcript NM_020207.7 (MANE Select); coding-DNA position 824, A replaced by T.
Protein change: p.His275Leu; replaces histidine 275 with leucine.
Molecular consequence: missense variant. On other transcripts: non-coding transcript variant (1).
Genome position (GRCh38, 1-based): chr9:95,915,703, A>T. VCF-style: chr9-95915703-A-T. GRCh37 (hg19) VCF-style: chr9-98677985-A-T.
Other names: c.824A>T, p.His275Leu (NM_001010895.4, NM_001375291.1, NM_001375292.1 and 2 more transcripts); short protein forms H275L.
Identifiers: ClinVar variation 2860972 (VCV002860972.3), dbSNP rs2490114772, ClinGen allele CA374122127.

ClinVar aggregate classification (germline): Uncertain significance (1 of 4 stars; one submission).

Submission:

Labcorp Genetics (formerly Invitae), Labcorp
Classification: Uncertain significance. Last evaluated: 2024-04-15. Review status: criteria provided, single submitter. Criteria: Invitae Variant Classification Sherloc (09022015). Collection method: clinical testing. Allele origin: germline.
Comment: This sequence change replaces histidine, which is basic and polar, with leucine, which is neutral and non-polar, at codon 286 of the ERCC6L2 protein (p.His286Leu). This variant is not present in population databases (gnomAD no frequency). This variant has not been reported in the literature in individuals affected with ERCC6L2-related conditions. Experimental studies and prediction algorithms are not available or were not evaluated, and the functional significance of this variant is currently unknown. In summary, the available evidence is currently insufficient to determine the role of this variant in disease. Therefore, it has been classified as a Variant of Uncertain Significance.